The following is an entry in ClinVar:

ClinVar aggregate classification (germline): Uncertain significance (1 of 4 stars; one submission).

Allele frequency attached by ClinVar (database versions not stated): gnomAD exomes below 0.00001.
gnomAD v4.1: 1 of 1,599,574 alleles (0.000063%); highest among the groups gnomAD compares: Non-Finnish European, 0.000085%; no homozygotes.

Submission:

Labcorp Genetics (formerly Invitae), Labcorp
Classification: Uncertain significance. Last evaluated: 2022-06-10. Review status: criteria provided, single submitter. Criteria: Invitae Variant Classification Sherloc (09022015). Collection method: clinical testing. Allele origin: germline.
Comment: Algorithms developed to predict the effect of missense changes on protein structure and function are either unavailable or do not agree on the potential impact of this missense change (SIFT: "Tolerated"; PolyPhen-2: "Probably Damaging"; Align-GVGD: "Class C0"). In summary, the available evidence is currently insufficient to determine the role of this variant in disease. Therefore, it has been classified as a Variant of Uncertain Significance. This variant has not been reported in the literature in individuals affected with VPS13C-related conditions. This variant is not present in population databases (gnomAD no frequency). This sequence change replaces proline, which is neutral and non-polar, with serine, which is neutral and polar, at codon 2575 of the VPS13C protein (p.Pro2575Ser).

NM_020821.3(VPS13C):c.7723C>T (p.Pro2575Ser)

Gene: VPS13C (vacuolar protein sorting 13 homolog C; minus strand). Cytogenetic location: 15q22.2.
Variant type: single nucleotide variant.
Coding change: c.7723C>T on transcript NM_020821.3 (MANE Select); coding-DNA position 7723, C replaced by T.
Protein change: p.Pro2575Ser; replaces proline 2575 with serine.
Molecular consequence: missense variant.
Genome position (GRCh38, 1-based): chr15:61,918,173, G>A on the plus strand (C>T on the coding strand, the complement: VPS13C is on the minus strand). VCF-style: chr15-61918173-G-A. GRCh37 (hg19) VCF-style: chr15-62210372-G-A.
Other names: c.7723C>T, p.Pro2575Ser (NM_001018088.3); c.7594C>T, p.Pro2532Ser (NM_017684.5, NM_018080.4); short protein forms P2532S, P2575S.
Identifiers: ClinVar variation 1969562 (VCV001969562.5), dbSNP rs2547876286, ClinGen allele CA392681234.
Genomic context (GRCh38, chr15:61,918,173, plus strand): 5'-TAATACATTTAAGAAGTATCTACCTATATGAATCTAAAGGAACATGGAACTCCTCTTCAG[G>A]TCTGGCTATCCCAATGCGCTCCAATAGCTTAACATTCTTAACAAATTTATAGATGATAAA-3'
Protein context (NP_065872.1, residues 2565-2585): KLLERIGIAR[Pro2575Ser]EEEFHVPLDS